The following is an entry in ClinVar:

ClinVar aggregate classification (germline): Pathogenic/Likely pathogenic. Review status: criteria provided, multiple submitters, no conflicts (2 of 4 stars). 2 submissions from 2 submitters: Pathogenic (1); Likely pathogenic (1). Last evaluated 2019-05-08.

Conditions:
Familial X-linked hypophosphatemic vitamin D refractory rickets (XLHRD). Also called: X-Linked Hypophosphatemia; Hypophosphatemic Rickets, X-Linked Dominant; HYPOPHOSPHATEMIC VITAMIN D-RESISTANT RICKETS; Hypophosphatemia, vitamin D-resistant rickets; Vitamin D-resistant rickets, X-linked. Identifiers: Orphanet 89936, MedGen C0733682, MONDO:0010619, OMIM 307800.

Allele frequency attached by ClinVar (database versions not stated): gnomAD exomes below 0.00001.
gnomAD v4.1: 1 of 1,207,666 alleles (0.000083%); highest among the groups gnomAD compares: Non-Finnish European, 0.00011%; no homozygotes.

Submissions (2):

Labcorp Genetics (formerly Invitae), Labcorp
Classification: Pathogenic. Last evaluated: 2019-05-08. Review status: criteria provided, single submitter. Criteria: Invitae Variant Classification Sherloc (09022015). Collection method: clinical testing. Allele origin: germline.
Comment: For these reasons, this variant has been classified as Pathogenic. Loss-of-function variants in PHEX are known to be pathogenic (PMID: 9097956, 9106524, 19219621). This variant has not been reported in the literature in individuals with PHEX-related conditions. ClinVar contains an entry for this variant (Variation ID: 36676). This variant is not present in population databases (ExAC no frequency). This sequence change creates a premature translational stop signal (p.Gly667*) in the PHEX gene. It is expected to result in an absent or disrupted protein product.

Women's Health and Genetics/Laboratory Corporation of America, LabCorp
Classification: Likely pathogenic for X-linked Hypophosphatemic Rickets. Last evaluated: 2011-08-18. Review status: criteria provided, single submitter. Criteria: LabCorp Variant Classification Summary - May 2015. Collection method: curation, clinical testing. Allele origin: germline. Inheritance: Xlinked unknown. Affected: yes.
ClinVar note: Converted during submission from likely pathogenic to Likely pathogenic.

Literature cited by the submitters: PubMed 9097956 (cited by Labcorp Genetics (formerly Invitae), Labcorp); PubMed 9106524 (cited by Labcorp Genetics (formerly Invitae), Labcorp); PubMed 19219621 (cited by Labcorp Genetics (formerly Invitae), Labcorp).

NM_000444.6(PHEX):c.1999G>T (p.Gly667Ter)

Genes: PHEX (phosphate regulating endopeptidase X-linked; plus strand), PTCHD1-AS (PTCHD1 and PHEX antisense RNA; minus strand). Cytogenetic location: Xp22.11.
Variant type: single nucleotide variant.
Coding change: c.1999G>T on transcript NM_000444.6 (MANE Select); coding-DNA position 1999, G replaced by T.
Protein change: p.Gly667Ter; replaces glycine 667 with a stop codon.
Molecular consequence: nonsense. On other transcripts: non-coding transcript variant (1).
Genome position (GRCh38, 1-based): chrX:22,227,540, G>T. VCF-style: chrX-22227540-G-T. GRCh37 (hg19) VCF-style: chrX-22245657-G-T.
Other names: c.1999G>T, p.Gly667Ter (NM_001282754.2); short protein forms G667*.
Identifiers: ClinVar variation 36676 (VCV000036676.10), dbSNP rs193922457, ClinGen allele CA260506.